The following is an entry in ClinVar:

ClinVar aggregate classification (germline): Uncertain significance (1 of 4 stars; one submission).

Conditions:
Retinoblastoma (RB1). Also called: RETINOBLASTOMA, SOMATIC. Identifiers: Orphanet 790, MedGen C0035335, MeSH D012175, MONDO:0008380, OMIM 180200, HP:0009919. Disease mechanism: loss of function. Inheritance: Both sporadic and heritable forms are tested..

Submission:

Labcorp Genetics (formerly Invitae), Labcorp
Classification: Uncertain significance for Retinoblastoma. Last evaluated: 2024-12-15. Review status: criteria provided, single submitter. Criteria: Invitae Variant Classification Sherloc (09022015). Collection method: clinical testing. Allele origin: germline.
Comment: This sequence change replaces glutamic acid, which is acidic and polar, with lysine, which is basic and polar, at codon 464 of the RB1 protein (p.Glu464Lys). This variant is not present in population databases (gnomAD no frequency). This variant has not been reported in the literature in individuals affected with RB1-related conditions. ClinVar contains an entry for this variant (Variation ID: 2755057). An algorithm developed to predict the effect of missense changes on protein structure and function (PolyPhen-2) suggests that this variant is likely to be disruptive. In summary, the available evidence is currently insufficient to determine the role of this variant in disease. Therefore, it has been classified as a Variant of Uncertain Significance.

NM_000321.3(RB1):c.1390G>A (p.Glu464Lys)

Gene: RB1 (RB transcriptional corepressor 1; plus strand). Cytogenetic location: 13q14.2.
Variant type: single nucleotide variant.
Coding change: c.1390G>A on transcript NM_000321.3 (MANE Select); coding-DNA position 1390, G replaced by A.
Protein change: p.Glu464Lys; replaces glutamic acid 464 with lysine.
Molecular consequence: missense variant.
Genome position (GRCh38, 1-based): chr13:48,380,053, G>A. VCF-style: chr13-48380053-G-A. GRCh37 (hg19) VCF-style: chr13-48954189-G-A.
Other names: c.1390G>A, p.Glu464Lys (NM_001407165.1, NM_001407166.1); short protein forms E464K.
Identifiers: ClinVar variation 2755057 (VCV002755057.3), dbSNP rs2138142167, ClinGen allele CA388162667.